The following is an entry in ClinVar:

ClinVar aggregate classification (germline): Uncertain significance (1 of 4 stars; one submission).

gnomAD v4.1: 2 of 1,614,178 alleles (0.00012%); highest among the groups gnomAD compares: Non-Finnish European, 0.00017%; no homozygotes.

Submission:

Women's Health and Genetics/Laboratory Corporation of America, LabCorp
Classification: Uncertain significance. Last evaluated: 2025-07-18. Review status: criteria provided, single submitter. Criteria: LabCorp Variant Classification Summary - May 2015. Collection method: clinical testing. Allele origin: germline.
Comment: Variant summary: FKBP14 c.133G>A (p.Gly45Arg) results in a non-conservative amino acid change located in the FKBP-type peptidyl-prolyl cis-trans isomerase domain (IPR001179) of the encoded protein sequence. Algorithms developed to predict the effect of missense changes on protein structure and function are either unavailable or do not agree on the potential impact of this missense change. The variant was absent in 251480 control chromosomes. The available data on variant occurrences in the general population are insufficient to allow any conclusion about variant significance. To our knowledge, no occurrence of c.133G>A in individuals affected with Ehlers-Danlos syndrome, kyphoscoliotic type, 2 and no experimental evidence demonstrating its impact on protein function have been reported. No submitters have cited clinical-significance assessments for this variant to ClinVar. Based on the evidence outlined above, the variant was classified as uncertain significance.

NM_017946.4(FKBP14):c.133G>A (p.Gly45Arg)

Genes: FKBP14 (FKBP prolyl isomerase 14; minus strand), FKBP14-AS1 (FKBP14 antisense RNA 1; plus strand). Cytogenetic location: 7p14.3.
Variant type: single nucleotide variant.
Coding change: c.133G>A on transcript NM_017946.4 (MANE Select); coding-DNA position 133, G replaced by A.
Protein change: p.Gly45Arg; replaces glycine 45 with arginine.
Molecular consequence: missense variant. On other transcripts: non-coding transcript variant (3).
Genome position (GRCh38, 1-based): chr7:30,026,376, C>T on the plus strand (G>A on the coding strand, the complement: FKBP14 is on the minus strand). VCF-style: chr7-30026376-C-T. GRCh37 (hg19) VCF-style: chr7-30065992-C-T.
Other names: short protein forms G45R.
Identifiers: ClinVar variation 4525766 (VCV004525766.1).